The following is an entry in ClinVar:

NM_181715.3(CRTC2):c.757T>C (p.Phe253Leu)

Gene: CRTC2 (CREB regulated transcription coactivator 2; minus strand). Cytogenetic location: 1q21.3.
Variant type: single nucleotide variant.
Coding change: c.757T>C on transcript NM_181715.3 (MANE Select); coding-DNA position 757, T replaced by C.
Protein change: p.Phe253Leu; replaces phenylalanine 253 with leucine.
Molecular consequence: missense variant.
Genome position (GRCh38, 1-based): chr1:153,952,258, A>G on the plus strand (T>C on the coding strand, the complement: CRTC2 is on the minus strand). VCF-style: chr1-153952258-A-G. GRCh37 (hg19) VCF-style: chr1-153924734-A-G.
Other names: short protein forms F253L.
Identifiers: ClinVar variation 5034944 (VCV005034944.1).
Genomic context (GRCh38, chr1:153,952,258, plus strand): 5'-CCCCCGTGTTCATGGCAGGTGGGAGGACAGGCACATTGGCAGGCTGGTCAGGAGATGGAA[A>G]GATGCTAGGGGAAGGAGAGAAAAAGAAAGATGTAAATAGGAGGGTGGGTGCAGTGGTCAG-3'
Protein context (NP_859066.1, residues 243-263): RSCEVPGINI[Phe253Leu]PSPDQPANVP

ClinVar aggregate classification (germline): Uncertain significance (1 of 4 stars; one submission).

gnomAD v4.1: 83 of 1,606,456 alleles (0.0052%); highest among the groups gnomAD compares: South Asian, 0.088%; no homozygotes.

Submission:

Ambry Genetics
Classification: Uncertain significance. Last evaluated: 2026-08-20. Review status: criteria provided, single submitter. Criteria: Ambry Variant Classification Scheme 2023. Collection method: clinical testing. Allele origin: germline.
Comment: The c.757T>C (p.F253L) alteration is located in exon 10 (coding exon 10) of the CRTC2 gene. This alteration results from a T to C substitution at nucleotide position 757, causing the phenylalanine (F) at amino acid position 253 to be replaced by a leucine (L). Based on data from gnomAD, the C allele has an overall frequency of 0.008% (20/244862) total alleles studied. The highest observed frequency was 0.068% (20/29564) of South Asian alleles. Based on insufficient or conflicting evidence, the clinical significance of this alteration remains unclear.